The following is an entry in ClinVar:

NM_003820.4(TNFRSF14):c.305-191C>T

Gene: TNFRSF14 (TNF receptor superfamily member 14; plus strand). Cytogenetic location: 1p36.32.
Variant type: single nucleotide variant.
Coding change: c.305-191C>T on transcript NM_003820.4 (MANE Select); 191 bases into the intron before coding-DNA position 305, C replaced by T.
Molecular consequence: intron variant.
Genome position (GRCh38, 1-based): chr1:2,559,632, C>T. VCF-style: chr1-2559632-C-T. GRCh37 (hg19) VCF-style: chr1-2491071-C-T.
Other names: c.305-191C>T (NM_001297605.2).
Identifiers: ClinVar variation 133411 (VCV000133411.1), dbSNP rs143696469, ClinGen allele CA156503.

ClinVar aggregate classification (germline): not provided (0 of 4 stars; one submission).

Allele frequency attached by ClinVar (database versions not stated): TOPMed 0.00006.
gnomAD v4.1: 85 of 1,534,692 alleles (0.0055%); highest among the groups gnomAD compares: Middle Eastern, 0.017%; no homozygotes.

Submission:

ITMI
No classification provided. Condition: AllHighlyPenetrant. Last evaluated: 2013-09-19. Review status: no classification provided. Collection method: reference population. Allele origin: germline.
Comment: Please see associated publication for description of ethnicities

Literature cited by the submitters: PubMed 24728327.